The following is an entry in ClinVar:

ClinVar aggregate classification (germline): Uncertain significance (1 of 4 stars; one submission).

gnomAD v4.1: 1 of 1,603,044 alleles (0.000062%); highest among the groups gnomAD compares: Non-Finnish European, 0.000085%; no homozygotes.

Submission:

GeneDx
Classification: Uncertain significance. Last evaluated: 2024-12-19. Review status: criteria provided, single submitter. Criteria: GeneDx Variant Classification Process June 2021. Collection method: clinical testing. Allele origin: germline. Affected: yes.
Comment: Not observed at significant frequency in large population cohorts (gnomAD); In silico analysis indicates that this missense variant does not alter protein structure/function; Has not been previously published as pathogenic or benign to our knowledge

NM_020699.4(GATAD2B):c.347G>T (p.Arg116Leu)

Gene: GATAD2B (GATA zinc finger domain containing 2B; minus strand). Cytogenetic location: 1q21.3.
Variant type: single nucleotide variant.
Coding change: c.347G>T on transcript NM_020699.4 (MANE Select); coding-DNA position 347, G replaced by T.
Protein change: p.Arg116Leu; replaces arginine 116 with leucine.
Molecular consequence: missense variant.
Genome position (GRCh38, 1-based): chr1:153,819,724, C>A on the plus strand (G>T on the coding strand, the complement: GATAD2B is on the minus strand). VCF-style: chr1-153819724-C-A. GRCh37 (hg19) VCF-style: chr1-153792200-C-A.
Other names: short protein forms R116L.
Identifiers: ClinVar variation 3907828 (VCV003907828.1).